The following is an entry in ClinVar:

NM_030631.4(SLC25A21):c.838+6_838+8del

Gene: SLC25A21 (solute carrier family 25 member 21; minus strand). Cytogenetic location: 14q13.3.
Variant type: Deletion.
Coding change: c.838+6_838+8del on transcript NM_030631.4 (MANE Select); bases 6 to 8 of the intron after coding-DNA position 838, 3 bases deleted (GAT; older notation c.838+6_838+8delGAT).
Molecular consequence: intron variant.
Genome position (GRCh38, 1-based): chr14:36,683,820-36,683,822, ATC deleted on the plus strand (GAT on the coding strand, the reverse complement: SLC25A21 is on the minus strand); deleting any 3 consecutive bases within chr14:36,683,820-36,683,824 gives the same sequence; the c. name uses the placement nearest the transcript's 3' end. VCF-style (leftmost placement, unchanged base first): chr14-36683819-TATC-T. GRCh37 (hg19) VCF-style: chr14-37153024-TATC-T.
Other names: c.838+6_838+8del (NM_001171170.2).
Identifiers: ClinVar variation 3700010 (VCV003700010.2).

ClinVar aggregate classification (germline): Uncertain significance (1 of 4 stars; one submission).

Submission:

Labcorp Genetics (formerly Invitae), Labcorp
Classification: Uncertain significance. Last evaluated: 2024-07-20. Review status: criteria provided, single submitter. Criteria: Invitae Variant Classification Sherloc (09022015). Collection method: clinical testing. Allele origin: germline.
Comment: This sequence change falls in intron 9 of the SLC25A21 gene. It does not directly change the encoded amino acid sequence of the SLC25A21 protein. It affects a nucleotide within the consensus splice site. This variant is present in population databases (rs769530350, gnomAD 0.01%). This variant has not been reported in the literature in individuals affected with SLC25A21-related conditions. Variants that disrupt the consensus splice site are a relatively common cause of aberrant splicing (PMID: 17576681, 9536098). Algorithms developed to predict the effect of sequence changes on RNA splicing suggest that this variant is not likely to affect RNA splicing. In summary, the available evidence is currently insufficient to determine the role of this variant in disease. Therefore, it has been classified as a Variant of Uncertain Significance.

Literature cited by the submitters: PubMed 17576681; PubMed 9536098.